The following is an entry in ClinVar:

ClinVar aggregate classification (germline): Benign (0 of 4 stars; one submission).

Conditions:
EPHX2-related disorder. Also called: EPHX2-related condition.

Allele frequency attached by ClinVar (database versions not stated): gnomAD exomes 0.00032; ExAC 0.00114; gnomAD 0.00392; ESP Exome Variant Server 0.00415; TOPMed 0.00419; 1000 Genomes Project 0.00599; 1000 Genomes Project 30x 0.00687.
gnomAD v4.1: 1,082 of 1,614,044 alleles (0.067%); highest among the groups gnomAD compares: African/African-American, 1.3%; 15 homozygotes.

Submission:

PreventionGenetics, part of Exact Sciences
Classification: Benign for EPHX2-related condition. Last evaluated: 2019-10-28. Review status: no assertion criteria provided. Collection method: clinical testing. Allele origin: germline.
Comment: This variant is classified as benign based on ACMG/AMP sequence variant interpretation guidelines (Richards et al. 2015 PMID: 25741868, with internal and published modifications).

NM_001979.6(EPHX2):c.266A>G (p.Lys89Arg)

Gene: EPHX2 (epoxide hydrolase 2; plus strand). Cytogenetic location: 8p21.1.
Variant type: single nucleotide variant.
Coding change: c.266A>G on transcript NM_001979.6 (MANE Select); coding-DNA position 266, A replaced by G.
Protein change: p.Lys89Arg; replaces lysine 89 with arginine.
Molecular consequence: missense variant. On other transcripts: non-coding transcript variant (3).
Genome position (GRCh38, 1-based): chr8:27,503,683, A>G. VCF-style: chr8-27503683-A-G. GRCh37 (hg19) VCF-style: chr8-27361200-A-G.
Other names: c.107A>G, p.Lys36Arg (NM_001256482.2, NM_001256484.2); c.68A>G, p.Lys23Arg (NM_001256483.2); c.266A>G, p.Lys89Arg (NM_001414016.1, NM_001414017.1, NM_001414018.1 and 5 more transcripts); short protein forms K23R, K36R, K89R.
Identifiers: ClinVar variation 3056563 (VCV003056563.2), dbSNP rs146918355, ClinGen allele CA4689950.
Genomic context (GRCh38, chr8:27,503,683, plus strand): 5'-AAAACTGCAGGAAGTGCTCCGAGACCGCTAAAGTCTGCCTCCCCAAGAATTTCTCCATAA[A>G]AGAAATCTTTGACAAGGCGATTTCAGCCAGAAAGATCAACCGCCCCATGCTCCAGGCAGC-3'
Protein context (NP_001970.2, residues 79-99): KVCLPKNFSI[Lys89Arg]EIFDKAISAR